The following is an entry in ClinVar:

NM_001267550.2(TTN):c.27485C>T (p.Thr9162Met)

Gene: TTN (titin; minus strand). Cytogenetic location: 2q31.2.
Variant type: single nucleotide variant.
Coding change: c.27485C>T on transcript NM_001267550.2 (MANE Select); coding-DNA position 27485, C replaced by T.
Protein change: p.Thr9162Met; replaces threonine 9162 with methionine.
Molecular consequence: missense variant. On other transcripts: intron variant (3).
Genome position (GRCh38, 1-based): chr2:178,712,437, G>A on the plus strand (C>T on the coding strand, the complement: TTN is on the minus strand). VCF-style: chr2-178712437-G-A. GRCh37 (hg19) VCF-style: chr2-179577164-G-A.
Other names: p.Thr8845Met; p.Thr7918Met; c.26534C>T, p.Thr8845Met (NM_001256850.1); c.23753C>T, p.Thr7918Met (NM_133378.4); c.13282+25645C>T (NM_003319.4); c.13858+25645C>T (NM_133437.4); c.13657+25645C>T (NM_133432.3); c.27485C>T (NM_001267550.1); short protein forms T7918M, T9162M, T8845M.
Identifiers: ClinVar variation 497106 (VCV000497106.49), dbSNP rs199793620, ClinGen allele CA1999797.

ClinVar aggregate classification (germline): Conflicting classifications of pathogenicity. Review status: criteria provided, conflicting classifications (1 of 4 stars). 10 submissions from 10 submitters: Uncertain significance (5); Likely benign (4). 1 of the submissions does not count toward it. Last evaluated 2026-06-17.

Conditions:
Dilated cardiomyopathy 1G (CMD1G). Identifiers: Orphanet 154, MedGen C1858763, MONDO:0011400, OMIM 604145.
Autosomal recessive limb-girdle muscular dystrophy type 2J (LGMDR10). Also called: Limb-girdle muscular dystrophy, type 2J; MUSCULAR DYSTROPHY, LIMB-GIRDLE, AUTOSOMAL RECESSIVE 10. Identifiers: Orphanet 140922, MedGen C1837342, MONDO:0012127, OMIM 608807.
TTN-related disorder. Also called: TTN-related condition; TTN-related disease; TTN-related disorders.
Left ventricular hypertrophy. Identifiers: MedGen C0149721, HP:0001712.

Allele frequency attached by ClinVar (database versions not stated): gnomAD 0.00028 and 0.00034; ESP Exome Variant Server 0.00034; TOPMed 0.00037.
gnomAD v4.1: 113 of 1,613,626 alleles (0.007%); highest among the groups gnomAD compares: African/African-American, 0.12%; no homozygotes.

Submissions (10):

PreventionGenetics, part of Exact Sciences
Classification: Uncertain significance for TTN-related condition. Last evaluated: 2026-06-17. Review status: criteria provided, single submitter. Criteria: ACMG Guidelines, 2015. Collection method: clinical testing. Allele origin: germline.
Comment: The TTN c.27485C>T variant is predicted to result in the amino acid substitution p.Thr9162Met. To our knowledge, this variant has not been reported in the literature. This variant is reported in 0.095% of alleles in individuals of African descent in gnomAD. Although we suspect that this variant may be benign, the clinical significance of this variant is classified as uncertain at this time due to insufficient functional and genetic evidence.

Labcorp Genetics (formerly Invitae), Labcorp
Classification: Likely benign for Dilated cardiomyopathy 1G; Autosomal recessive limb-girdle muscular dystrophy type 2J. Last evaluated: 2025-12-29. Review status: criteria provided, single submitter. Criteria: Invitae Variant Classification Sherloc (09022015). Collection method: clinical testing. Allele origin: germline.

GeneDx
Classification: Likely benign. Last evaluated: 2025-08-18. Review status: criteria provided, single submitter. Criteria: GeneDx Variant Classification Process June 2021. Collection method: clinical testing. Allele origin: germline. Affected: yes.
Comment: See Variant Classification Assertion Criteria.

Women's Health and Genetics/Laboratory Corporation of America, LabCorp
Classification: Likely benign. Last evaluated: 2025-06-23. Review status: criteria provided, single submitter. Criteria: LabCorp Variant Classification Summary - May 2015. Collection method: clinical testing. Allele origin: germline.
Comment: Variant summary: TTN c.23753C>T (p.Thr7918Met) results in a non-conservative amino acid change in the encoded protein sequence. Algorithms developed to predict the effect of missense changes on protein structure and function all suggest that this variant is likely to be disruptive. The variant allele was found at a frequency of 6.8e-05 in 249058 control chromosomes, predominantly at a frequency of 0.001 within the African or African-American subpopulation in the gnomAD database. The observed variant frequency within African or African-American control individuals in the gnomAD database is approximately 2.56 fold of the estimated maximal expected allele frequency for a pathogenic variant in TTN causing Dilated Cardiomyopathy phenotype (0.00039). To our knowledge, no occurrence of c.23753C>T in individuals affected with Dilated Cardiomyopathy and no experimental evidence demonstrating its impact on protein function have been reported. ClinVar contains an entry for this variant (Variation ID: 497106). Based on the evidence outlined above, the variant was classified as likely benign.

Revvity Omics, Revvity
Classification: Uncertain significance. Last evaluated: 2025-06-12. Review status: criteria provided, single submitter. Criteria: ACMG Guidelines, 2015. Collection method: clinical testing. Allele origin: germline.

Mayo Clinic Laboratories, Mayo Clinic
Classification: Uncertain significance. Last evaluated: 2025-04-22. Review status: criteria provided, single submitter. Criteria: ACMG Guidelines, 2015. Collection method: clinical testing. Allele origin: germline. Observed: 3 variant alleles.

CeGaT Center for Human Genetics Tuebingen
Classification: Uncertain significance. Last evaluated: 2023-09-01. Review status: criteria provided, single submitter. Criteria: CeGaT Center For Human Genetics Tuebingen Variant Classification Criteria Version 2. Collection method: clinical testing. Allele origin: germline. Affected: yes. Observed: 1 variant allele.

Athena Diagnostics
Classification: Likely benign. Last evaluated: 2021-03-22. Review status: criteria provided, single submitter. Criteria: Athena Diagnostics criteria. Collection method: clinical testing. Allele origin: unknown.

Eurofins Ntd Llc (ga)
Classification: Uncertain significance. Last evaluated: 2017-04-25. Review status: criteria provided, single submitter. Criteria: EGL Classification Definitions 2015. Collection method: clinical testing. Allele origin: germline. Observed: 3 variant alleles, 3 heterozygotes.

Clinical Molecular Genetics Laboratory, Johns Hopkins All Children's Hospital
Classification: Uncertain significance for Left ventricular hypertrophy. Last evaluated: 2015-11-04. Review status: no assertion criteria provided. Collection method: clinical testing. Allele origin: germline. Affected: yes. Not counted in ClinVar's aggregate classification.